The following is an entry in ClinVar:

ClinVar aggregate classification (germline): Likely benign. Review status: criteria provided, multiple submitters, no conflicts (2 of 4 stars). 2 submissions from 2 submitters: Likely benign (2). Last evaluated 2025-12-16.

Conditions:
MYH6-related disorder. Also called: MYH6-Related Disorders; MYH6-related condition.
Hypertrophic cardiomyopathy 14. Identifiers: MedGen C2750467, MONDO:0013197, OMIM 613251.

Allele frequency attached by ClinVar (database versions not stated): gnomAD 0.00001; TOPMed 0.00001.
gnomAD v4.1: 2 of 1,614,046 alleles (0.00012%); highest among the groups gnomAD compares: African/African-American, 0.0013%; no homozygotes.

Submissions (2):

PreventionGenetics, part of Exact Sciences
Classification: Likely benign for MYH6-related condition. Last evaluated: 2025-12-16. Review status: criteria provided, single submitter. Criteria: ACMG Guidelines, 2015. Collection method: clinical testing. Allele origin: germline.
Comment: This variant is classified as likely benign based on ACMG/AMP sequence variant interpretation guidelines (Richards et al. 2015 PMID: 25741868, with internal and published modifications).

Labcorp Genetics (formerly Invitae), Labcorp
Classification: Likely benign for Hypertrophic cardiomyopathy 14. Last evaluated: 2024-12-27. Review status: criteria provided, single submitter. Criteria: Invitae Variant Classification Sherloc (09022015). Collection method: clinical testing. Allele origin: germline.

NM_002471.4(MYH6):c.3801G>A (p.Glu1267=)

Gene: MYH6 (myosin heavy chain 6; minus strand). Cytogenetic location: 14q11.2.
Variant type: single nucleotide variant.
Coding change: c.3801G>A on transcript NM_002471.4 (MANE Select); coding-DNA position 3801, G replaced by A.
Protein change: p.Glu1267=; no amino-acid change (glutamic acid 1267 retained).
Molecular consequence: synonymous variant.
Genome position (GRCh38, 1-based): chr14:23,389,651, C>T on the plus strand (G>A on the coding strand, the complement: MYH6 is on the minus strand). VCF-style: chr14-23389651-C-T. GRCh37 (hg19) VCF-style: chr14-23858860-C-T.
Identifiers: ClinVar variation 2151399 (VCV002151399.5), dbSNP rs1344804774, ClinGen allele CA485764785.